The following is an entry in ClinVar:

NM_000081.4(LYST):c.10457G>T (p.Ser3486Ile)

Gene: LYST (lysosomal trafficking regulator; minus strand). Cytogenetic location: 1q42.3.
Variant type: single nucleotide variant.
Coding change: c.10457G>T on transcript NM_000081.4 (MANE Select); coding-DNA position 10457, G replaced by T.
Protein change: p.Ser3486Ile; replaces serine 3486 with isoleucine.
Molecular consequence: missense variant.
Genome position (GRCh38, 1-based): chr1:235,697,190, C>A on the plus strand (G>T on the coding strand, the complement: LYST is on the minus strand). VCF-style: chr1-235697190-C-A. GRCh37 (hg19) VCF-style: chr1-235860490-C-A.
Other names: c.10457G>T, p.Ser3486Ile (NM_001301365.1); short protein forms S3486I.
Identifiers: ClinVar variation 2059930 (VCV002059930.1), dbSNP rs143632723, ClinGen allele CA1465364.

ClinVar aggregate classification (germline): Uncertain significance (1 of 4 stars; one submission).

Conditions:
Chédiak-Higashi syndrome (CHS). Also called: Chediak-Higashi Syndrome. Identifiers: Orphanet 167, MedGen C0007965, MONDO:0008963, OMIM 214500.

gnomAD v4.1: 10 of 1,614,066 alleles (0.00062%); highest among the groups gnomAD compares: African/African-American, 0.011%; no homozygotes.

Submission:

Labcorp Genetics (formerly Invitae), Labcorp
Classification: Uncertain significance for Chédiak-Higashi syndrome. Last evaluated: 2022-06-13. Review status: criteria provided, single submitter. Criteria: Invitae Variant Classification Sherloc (09022015). Collection method: clinical testing. Allele origin: germline.
Comment: This sequence change replaces serine, which is neutral and polar, with isoleucine, which is neutral and non-polar, at codon 3486 of the LYST protein (p.Ser3486Ile). This variant is present in population databases (rs143632723, gnomAD 0.02%). This variant has not been reported in the literature in individuals affected with LYST-related conditions. Algorithms developed to predict the effect of missense changes on protein structure and function are either unavailable or do not agree on the potential impact of this missense change (SIFT: "Deleterious"; PolyPhen-2: "Probably Damaging"; Align-GVGD: "Class C0"). In summary, the available evidence is currently insufficient to determine the role of this variant in disease. Therefore, it has been classified as a Variant of Uncertain Significance.